The following is an entry in ClinVar:

NM_153006.3(NAGS):c.1108del (p.Leu370fs)

Gene: NAGS (N-acetylglutamate synthase; plus strand). Cytogenetic location: 17q21.31.
Variant type: Deletion.
Coding change: c.1108del on transcript NM_153006.3 (MANE Select); coding-DNA position 1108, one base deleted (C; older notation c.1108delC).
Protein change: p.Leu370fs; shifts the reading frame from leucine 370.
Molecular consequence: frameshift variant.
Genome position (GRCh38, 1-based): chr17:44,007,334, C deleted; the last of 3 consecutive C bases (chr17:44,007,332-44,007,334); deleting any one gives the same sequence. VCF-style (leftmost placement, unchanged base first): chr17-44007331-AC-A. GRCh37 (hg19) VCF-style: chr17-42084699-AC-A.
Other names: c.1108delC (NM_153006.2); short protein forms L370fs.
Identifiers: ClinVar variation 1906136 (VCV001906136.6), dbSNP rs764793347, ClinGen allele CA8595322.

ClinVar aggregate classification (germline): Pathogenic/Likely pathogenic. Review status: criteria provided, multiple submitters, no conflicts (2 of 4 stars). 2 submissions from 2 submitters: Pathogenic (1); Likely pathogenic (1). Last evaluated 2024-05-06.

Conditions:
Hyperammonemia, type III (NAGSD). Also called: Hyperammonemia due to N-acetylglutamate synthase deficiency. Identifiers: Orphanet 927, MedGen C0268543, MONDO:0009377, OMIM 237310.

Submissions (2):

Natera, Inc.
Classification: Likely pathogenic for Hyperammonemia type III. Last evaluated: 2024-05-06. Review status: criteria provided, single submitter. Criteria: Natera Variant Classification Schema (03/2026). Collection method: clinical testing. Allele origin: germline.
Comment: The c.1108delC variant in NAGS is a frameshift variant predicted to shift the reading frame beginning at codon 370 and leads to a stop codon 22 codons downstream. This variant is expected to result in nonsense mediated decay, truncation, or a dysfunctional protein product. This variant is rare in the general population with a frequency below the threshold expected for the associated phenotype(s). Given the available evidence, this variant is classified as Likely Pathogenic.

Labcorp Genetics (formerly Invitae), Labcorp
Classification: Pathogenic for Hyperammonemia, type III. Last evaluated: 2024-01-12. Review status: criteria provided, single submitter. Criteria: Invitae Variant Classification Sherloc (09022015). Collection method: clinical testing. Allele origin: germline.
Comment: This sequence change creates a premature translational stop signal (p.Leu370Cysfs*22) in the NAGS gene. It is expected to result in an absent or disrupted protein product. Loss-of-function variants in NAGS are known to be pathogenic (PMID: 12594532). This variant is present in population databases (rs764793347, gnomAD 0.009%). This variant has not been reported in the literature in individuals affected with NAGS-related conditions. ClinVar contains an entry for this variant (Variation ID: 1906136). For these reasons, this variant has been classified as Pathogenic.

Literature cited by the submitters: PubMed 12594532 (cited by Labcorp Genetics (formerly Invitae), Labcorp).